The following is an entry in ClinVar:

NM_024675.4(PALB2):c.868G>T (p.Glu290Ter)

Gene: PALB2 (partner and localizer of BRCA2; minus strand). Cytogenetic location: 16p12.2.
Variant type: single nucleotide variant.
Coding change: c.868G>T on transcript NM_024675.4 (MANE Select); coding-DNA position 868, G replaced by T.
Protein change: p.Glu290Ter; replaces glutamic acid 290 with a stop codon.
Molecular consequence: nonsense.
Genome position (GRCh38, 1-based): chr16:23,635,678, C>A on the plus strand (G>T on the coding strand, the complement: PALB2 is on the minus strand). VCF-style: chr16-23635678-C-A. GRCh37 (hg19) VCF-style: chr16-23646999-C-A.
Other names: short protein forms E290*.
Identifiers: ClinVar variation 584472 (VCV000584472.14), dbSNP rs1567222143, ClinGen allele CA395135793.
Genomic context (GRCh38, chr16:23,635,678, plus strand): 5'-TTATAGCTTTATTTACAAGGAGGTTATCTGTAGAGACAGTCATTTTTTTGCCTTGTGCCT[C>A]CAAACTTACAGGTGAAGTAAATCTAATGTTTTTTAGGTCGTGAGTAGTAAGTTCACTGCT-3'

ClinVar aggregate classification (germline): Pathogenic. Review status: criteria provided, multiple submitters, no conflicts (2 of 4 stars). 4 submissions from 4 submitters: Pathogenic (4). Last evaluated 2024-03-05.

Conditions:
Familial cancer of breast. Also called: Hereditary breast cancer; hereditary breast carcinoma; BREAST CANCER, FAMILIAL. Identifiers: Orphanet 227535, MedGen C0346153, MONDO:0016419, OMIM 114480. Disease mechanism: loss of function.
Hereditary cancer-predisposing syndrome. Also called: Neoplastic Syndromes, Hereditary; Hereditary Cancer Syndrome; Tumor predisposition; Hereditary neoplastic syndrome. Identifiers: Orphanet 140162, MedGen C0027672, MeSH D009386, MONDO:0015356.

Submissions (4):

Color Diagnostics, LLC DBA Color Health
Classification: Pathogenic for Hereditary cancer-predisposing syndrome. Last evaluated: 2024-03-05. Review status: criteria provided, single submitter. Criteria: ACMG Guidelines, 2015. Collection method: clinical testing. Allele origin: germline.
Comment: This variant changes 1 nucleotide in exon 4 of the PALB2 gene, creating a premature translation stop signal. This variant is expected to result in an absent or non-functional protein product. To our knowledge, this variant has not been reported in individuals affected with PALB2-related disorders in the literature. This variant has not been identified in the general population by the Genome Aggregation Database (gnomAD). Loss of PALB2 function is a known mechanism of disease. Based on the available evidence, this variant is classified as Pathogenic.

Myriad Genetics, Inc.
Classification: Pathogenic for Familial cancer of breast. Last evaluated: 2023-09-07. Review status: criteria provided, single submitter. Criteria: Myriad Autosomal Dominant, Autosomal Recessive and X-Linked Classification Criteria (2023). Collection method: clinical testing. Allele origin: unknown.
Comment: This variant is considered pathogenic. This variant creates a termination codon and is predicted to result in premature protein truncation.

Labcorp Genetics (formerly Invitae), Labcorp
Classification: Pathogenic for Familial cancer of breast. Last evaluated: 2021-06-17. Review status: criteria provided, single submitter. Criteria: Invitae Variant Classification Sherloc (09022015). Collection method: clinical testing. Allele origin: germline.
Comment: For these reasons, this variant has been classified as Pathogenic. This sequence change creates a premature translational stop signal (p.Glu290*) in the PALB2 gene. It is expected to result in an absent or disrupted protein product. This variant is not present in population databases (ExAC no frequency). This variant has not been reported in the literature in individuals with PALB2-related conditions. ClinVar contains an entry for this variant (Variation ID: 584472). Loss-of-function variants in PALB2 are known to be pathogenic (PMID: 17200668, 24136930, 25099575).

GeneKor MSA
Classification: Pathogenic for Hereditary cancer-predisposing syndrome. Last evaluated: 2020-01-01. Review status: criteria provided, single submitter. Criteria: ACMG Guidelines, 2015. Collection method: clinical testing. Allele origin: germline. Affected: yes.
Comment: This variant is a single amino acid change from Glutamine to a premature translational stop signal at codon 290 of the PALB2 protein. This is expected to result in an absent or disrupted protein product. Truncating variants PALB2 are known to be pathogenic (PMID: 17200668, 24136930, 25099575). This variant has been described in the international literature in an individual undergoing panel testing for hereditary syndrome (PMID: 31159747). The mutation database ClinVar contains entries for this variant (Variation ID: 584472).

Literature cited by the submitters: PubMed 17200668 (cited by Labcorp Genetics (formerly Invitae), Labcorp); PubMed 24136930 (cited by Labcorp Genetics (formerly Invitae), Labcorp); PubMed 25099575 (cited by Labcorp Genetics (formerly Invitae), Labcorp).